The following is an entry in ClinVar:

ClinVar aggregate classification (germline): Uncertain significance (1 of 4 stars; one submission).

Conditions:
Cholestanol storage disease (CTX). Also called: CEREBRAL CHOLESTERINOSIS; CTX: Cerebrotendinous xanthomatosis; Cerebrotendinous Xanthomatosis. Identifiers: Orphanet 909, MedGen C0238052, MONDO:0008948, OMIM 213700.

gnomAD v4.1: 2 of 1,614,094 alleles (0.00012%); highest among the groups gnomAD compares: Non-Finnish European, 0.00017%; no homozygotes.

Submission:

Labcorp Genetics (formerly Invitae), Labcorp
Classification: Uncertain significance for Cholestanol storage disease. Last evaluated: 2022-06-26. Review status: criteria provided, single submitter. Criteria: Invitae Variant Classification Sherloc (09022015). Collection method: clinical testing. Allele origin: germline.
Comment: This sequence change replaces valine, which is neutral and non-polar, with alanine, which is neutral and non-polar, at codon 413 of the CYP27A1 protein (p.Val413Ala). This variant is not present in population databases (gnomAD no frequency). This variant has not been reported in the literature in individuals affected with CYP27A1-related conditions. Advanced modeling of protein sequence and biophysical properties (such as structural, functional, and spatial information, amino acid conservation, physicochemical variation, residue mobility, and thermodynamic stability) performed at Invitae indicates that this missense variant is expected to disrupt CYP27A1 protein function. In summary, the available evidence is currently insufficient to determine the role of this variant in disease. Therefore, it has been classified as a Variant of Uncertain Significance.

NM_000784.4(CYP27A1):c.1238T>C (p.Val413Ala)

Gene: CYP27A1 (cytochrome P450 family 27 subfamily A member 1; plus strand). Cytogenetic location: 2q35.
Variant type: single nucleotide variant.
Coding change: c.1238T>C on transcript NM_000784.4 (MANE Select); coding-DNA position 1238, T replaced by C.
Protein change: p.Val413Ala; replaces valine 413 with alanine.
Molecular consequence: missense variant.
Genome position (GRCh38, 1-based): chr2:218,814,433, T>C. VCF-style: chr2-218814433-T-C. GRCh37 (hg19) VCF-style: chr2-219679156-T-C.
Other names: short protein forms V413A.
Identifiers: ClinVar variation 1925038 (VCV001925038.2), dbSNP rs587778783, ClinGen allele CA350593343.